The following is an entry in ClinVar:

NM_024312.5(GNPTAB):c.2357A>G (p.Gln786Arg)

Gene: GNPTAB (N-acetylglucosamine-1-phosphate transferase subunits alpha and beta; minus strand). Cytogenetic location: 12q23.2.
Variant type: single nucleotide variant.
Coding change: c.2357A>G on transcript NM_024312.5 (MANE Select); coding-DNA position 2357, A replaced by G.
Protein change: p.Gln786Arg; replaces glutamine 786 with arginine.
Molecular consequence: missense variant.
Genome position (GRCh38, 1-based): chr12:101,764,560, T>C on the plus strand (A>G on the coding strand, the complement: GNPTAB is on the minus strand). VCF-style: chr12-101764560-T-C. GRCh37 (hg19) VCF-style: chr12-102158338-T-C.
Other names: p.Gln786Arg; short protein forms Q786R.
Identifiers: ClinVar variation 4541740 (VCV004541740.1).
Genomic context (GRCh38, chr12:101,764,560, plus strand): 5'-GGATTCTGACCCTGGTCATGACCATTCACTTTTACACTCACTGCAGGAAAAGTCAACCTC[T>C]GCAATCTTTCAGACACTCCTAAGCTGTTTGGCAAGATGCTTTTATGAACCTGTTTTTCCT-3'
Protein context (NP_077288.2, residues 776-796): PNSLGVSERL[Gln786Arg]RLTFPAVSVK

ClinVar aggregate classification (germline): Uncertain significance (1 of 4 stars; one submission).

gnomAD v4.1: 1 of 1,613,564 alleles (0.000062%); highest among the groups gnomAD compares: Non-Finnish European, 0.000085%; no homozygotes.

Submission:

Mayo Clinic Laboratories, Mayo Clinic
Classification: Uncertain significance. Last evaluated: 2025-05-26. Review status: criteria provided, single submitter. Criteria: ACMG Guidelines, 2015. Collection method: clinical testing. Allele origin: germline. Observed: 1 variant allele.
Comment: BP4_moderate, PM2_supporting